The following is an entry in ClinVar:

ClinVar aggregate classification (germline): Likely pathogenic (1 of 4 stars; one submission).

Conditions:
3-methylcrotonyl-CoA carboxylase 2 deficiency. Also called: METHYLCROTONYLGLYCINURIA, TYPE II; 3 alpha methylcrotonyl-CoA carboxylase 2 deficiency; 3 alpha methylcrotonylglycinuria 2; MCC 2 deficiency; Methylcrotonylglycinuria type 2. Identifiers: Orphanet 6, MedGen C1859499, MONDO:0008862, OMIM 210210.

Submission:

Labcorp Genetics (formerly Invitae), Labcorp
Classification: Likely pathogenic for 3-methylcrotonyl-CoA carboxylase 2 deficiency. Last evaluated: 2020-09-17. Review status: criteria provided, single submitter. Criteria: Invitae Variant Classification Sherloc (09022015). Collection method: clinical testing. Allele origin: germline.
Comment: In summary, the currently available evidence indicates that the variant is pathogenic, but additional data are needed to prove that conclusively. Therefore, this variant has been classified as Likely Pathogenic. Loss-of-function variants in MCCC2 are known to be pathogenic (PMID: 11181649, 22642865). Algorithms developed to predict the effect of sequence changes on RNA splicing suggest that this variant may disrupt the consensus splice site, but this prediction has not been confirmed by published transcriptional studies. This variant has not been reported in the literature in individuals with MCCC2-related conditions. This variant is not present in population databases (ExAC no frequency). This variant results in the deletion of part of exon 4 (c.282-9_285del) of the MCCC2 gene. It is expected to disrupt RNA splicing and likely results in an absent or disrupted protein product.

Literature cited by the submitters: PubMed 11181649; PubMed 22642865.

NM_022132.5(MCCC2):c.282-9_285del

Gene: MCCC2 (methylcrotonyl-CoA carboxylase subunit 2; plus strand). Cytogenetic location: 5q13.2.
Variant type: Deletion.
Coding change: c.282-9_285del on transcript NM_022132.5 (MANE Select); 9 bases into the intron before coding-DNA position 282 through coding-DNA position 285, 13 bases deleted (TCGCTTTAGGTCT).
Molecular consequence: splice acceptor variant.
Genome position (GRCh38, 1-based): chr5:71,599,650-71,599,662, TCGCTTTAGGTCT deleted; deleting any 13 consecutive bases within chr5:71,599,647-71,599,662 gives the same sequence; the c. name uses the placement nearest the transcript's 3' end. VCF-style (leftmost placement, unchanged base first): chr5-71599646-TTCTTCGCTTTAGG-T. GRCh37 (hg19) VCF-style: chr5-70895473-TTCTTCGCTTTAGG-T.
Other names: c.282-9_285del (NM_001363147.1).
Identifiers: ClinVar variation 1067527 (VCV001067527.7), dbSNP rs2112308599, ClinGen allele CA2499217891.
Genomic context (GRCh38, chr5:71,599,646, plus strand): 5'-TTTCCATGTGTAACTGTTTAAATGTGTAGTTTTTAATGACATTAATTCAAACAACATCCT[TTCTTCGCTTTAGG>T]TCTCCATTTCTGGAATTATCCCAGTTTGCAGGTTACCAGTTATATGACAATGAGGAGGTG-3'